The following is an entry in ClinVar:

NM_005732.4(RAD50):c.3677G>A (p.Gly1226Asp)

Genes: TH2-LCR (Th2 cytokine locus control region; plus strand), RAD50 (RAD50 double strand break repair protein; plus strand), TH2LCRR (T helper type 2 locus control region associated RNA; minus strand). Cytogenetic location: 5q31.1.
Variant type: single nucleotide variant.
Coding change: c.3677G>A on transcript NM_005732.4 (MANE Select); coding-DNA position 3677, G replaced by A.
Protein change: p.Gly1226Asp; replaces glycine 1226 with aspartic acid.
Molecular consequence: missense variant.
Genome position (GRCh38, 1-based): chr5:132,640,730, G>A. VCF-style: chr5-132640730-G-A. GRCh37 (hg19) VCF-style: chr5-131976422-G-A.
Other names: short protein forms G1226D.
Identifiers: ClinVar variation 965773 (VCV000965773.9), dbSNP rs1751700559, ClinGen allele CA360934185.

ClinVar aggregate classification (germline): Uncertain significance. Review status: criteria provided, multiple submitters, no conflicts (2 of 4 stars). 2 submissions from 2 submitters: Uncertain significance (2). Last evaluated 2023-07-27.

Conditions:
Hereditary cancer-predisposing syndrome. Also called: Hereditary neoplastic syndrome; Neoplastic Syndromes, Hereditary; Hereditary Cancer Syndrome; Tumor predisposition. Identifiers: Orphanet 140162, MedGen C0027672, MeSH D009386, MONDO:0015356.

Submissions (2):

Ambry Genetics
Classification: Uncertain significance for Hereditary cancer-predisposing syndrome. Last evaluated: 2023-07-27. Review status: criteria provided, single submitter. Criteria: Ambry Variant Classification Scheme 2023. Collection method: clinical testing. Allele origin: germline.
Comment: The p.G1226D variant (also known as c.3677G>A), located in coding exon 24 of the RAD50 gene, results from a G to A substitution at nucleotide position 3677. The glycine at codon 1226 is replaced by aspartic acid, an amino acid with similar properties. This amino acid position is conserved. In addition, this alteration is predicted to be deleterious by in silico analysis. Since supporting evidence is limited at this time, the clinical significance of this alteration remains unclear.

Labcorp Genetics (formerly Invitae), Labcorp
Classification: Uncertain significance for Hereditary cancer-predisposing syndrome. Last evaluated: 2023-06-22. Review status: criteria provided, single submitter. Criteria: Invitae Variant Classification Sherloc (09022015). Collection method: clinical testing. Allele origin: germline.
Comment: In summary, the available evidence is currently insufficient to determine the role of this variant in disease. Therefore, it has been classified as a Variant of Uncertain Significance. Advanced modeling of protein sequence and biophysical properties (such as structural, functional, and spatial information, amino acid conservation, physicochemical variation, residue mobility, and thermodynamic stability) performed at Invitae indicates that this missense variant is expected to disrupt RAD50 protein function. ClinVar contains an entry for this variant (Variation ID: 965773). This variant has not been reported in the literature in individuals affected with RAD50-related conditions. This variant is not present in population databases (gnomAD no frequency). This sequence change replaces glycine, which is neutral and non-polar, with aspartic acid, which is acidic and polar, at codon 1226 of the RAD50 protein (p.Gly1226Asp).